The following is an entry in ClinVar:

NM_000051.4(ATM):c.2487A>G (p.Pro829=)

Gene: ATM (ATM serine/threonine kinase; plus strand). Cytogenetic location: 11q22.3.
Variant type: single nucleotide variant.
Coding change: c.2487A>G on transcript NM_000051.4 (MANE Select); coding-DNA position 2487, A replaced by G.
Protein change: p.Pro829=; no amino-acid change (proline 829 retained).
Molecular consequence: synonymous variant.
Genome position (GRCh38, 1-based): chr11:108,267,191, A>G. VCF-style: chr11-108267191-A-G. GRCh37 (hg19) VCF-style: chr11-108137918-A-G.
Other names: c.2487A>G, p.Pro829= (NM_001351834.2).
Identifiers: ClinVar variation 453418 (VCV000453418.15), dbSNP rs1330586139, ClinGen allele CA476673532.

ClinVar aggregate classification (germline): Benign/Likely benign. Review status: criteria provided, multiple submitters, no conflicts (2 of 4 stars). 4 submissions from 4 submitters: Benign (1); Likely benign (3). Last evaluated 2024-06-24.

Conditions:
Hereditary cancer-predisposing syndrome. Also called: Tumor predisposition; Hereditary Cancer Syndrome; Neoplastic Syndromes, Hereditary; Hereditary neoplastic syndrome. Identifiers: Orphanet 140162, MedGen C0027672, MeSH D009386, MONDO:0015356.
Familial cancer of breast. Also called: Hereditary breast cancer; hereditary breast carcinoma; BREAST CANCER, FAMILIAL. Identifiers: Orphanet 227535, MedGen C0346153, MONDO:0016419, OMIM 114480. Disease mechanism: loss of function.
Ataxia-telangiectasia syndrome (AT). Also called: Cerebello-oculocutaneous telangiectasia; Immunodeficiency with ataxia telangiectasia; Ataxia-telangiectasia, complementation group D; AT, COMPLEMENTATION GROUP C; Ataxia-telangiectasia, complementation group E; LOUIS-BAR SYNDROME. Identifiers: Orphanet 100, MedGen C0004135, MONDO:0008840, OMIM 208900.

Allele frequency attached by ClinVar (database versions not stated): TOPMed below 0.00001; gnomAD exomes below 0.00001.

Submissions (4):

Color Diagnostics, LLC DBA Color Health
Classification: Likely benign for Hereditary cancer-predisposing syndrome. Last evaluated: 2024-06-24. Review status: criteria provided, single submitter. Criteria: ACMG Guidelines, 2015. Collection method: clinical testing. Allele origin: germline.

Labcorp Genetics (formerly Invitae), Labcorp
Classification: Likely benign for Ataxia-telangiectasia syndrome. Last evaluated: 2024-06-02. Review status: criteria provided, single submitter. Criteria: Invitae Variant Classification Sherloc (09022015). Collection method: clinical testing. Allele origin: germline.

Myriad Genetics, Inc.
Classification: Benign for Familial cancer of breast. Last evaluated: 2024-05-09. Review status: criteria provided, single submitter. Criteria: Myriad Autosomal Dominant, Autosomal Recessive and X-Linked Classification Criteria (2023). Collection method: clinical testing. Allele origin: unknown.
Comment: This variant is considered benign. This variant is a silent/synonymous amino acid change and it is not expected to impact splicing.

Ambry Genetics
Classification: Likely benign for Hereditary cancer-predisposing syndrome. Last evaluated: 2018-02-25. Review status: criteria provided, single submitter. Criteria: Ambry Variant Classification Scheme 2023. Collection method: clinical testing. Allele origin: germline.